The following is an entry in ClinVar:

ClinVar aggregate classification (germline): Uncertain significance (1 of 4 stars; one submission).

Conditions:
Intellectual disability. Also called: Intellectual functioning disability; intellectual disabilities; Intellectual developmental disorder. Identifiers: MedGen C3714756, MeSH D008607, MONDO:0001071, HP:0001249.

gnomAD v4.1: 1 of 1,606,938 alleles (0.000062%); no homozygotes.

Submission:

Labcorp Genetics (formerly Invitae), Labcorp
Classification: Uncertain significance for Intellectual disability. Last evaluated: 2025-07-23. Review status: criteria provided, single submitter. Criteria: Invitae Variant Classification Sherloc (09022015). Collection method: clinical testing. Allele origin: germline.
Comment: This sequence change falls in intron 10 of the GABRB2 gene. It does not directly change the encoded amino acid sequence of the GABRB2 protein. This variant is not present in population databases (gnomAD no frequency). This variant has not been reported in the literature in individuals affected with GABRB2-related conditions. Algorithms developed to predict the effect of sequence changes on RNA splicing suggest that this variant may disrupt the consensus splice site. In summary, the available evidence is currently insufficient to determine the role of this variant in disease. Therefore, it has been classified as a Variant of Uncertain Significance.

NM_001371727.1(GABRB2):c.1192-5T>A

Gene: GABRB2 (gamma-aminobutyric acid type A receptor subunit beta2; minus strand). Cytogenetic location: 5q34.
Variant type: single nucleotide variant.
Coding change: c.1192-5T>A on transcript NM_001371727.1 (MANE Select); 5 bases into the intron before coding-DNA position 1192, T replaced by A.
Molecular consequence: intron variant.
Genome position (GRCh38, 1-based): chr5:161,294,433, A>T on the plus strand (T>A on the coding strand, the complement: GABRB2 is on the minus strand). VCF-style: chr5-161294433-A-T. GRCh37 (hg19) VCF-style: chr5-160721440-A-T.
Other names: c.1078-5T>A (NM_000813.3); c.1192-5T>A (NM_021911.3).
Identifiers: ClinVar variation 4778634 (VCV004778634.1).